The following is an entry in ClinVar:

ClinVar aggregate classification (germline): Likely pathogenic (0 of 4 stars; one submission).

Conditions:
Pendred syndrome (PDS). Also called: Pendred's syndrome; GOITER-DEAFNESS SYNDROME; HYPOTHYROIDISM, CONGENITAL, DUE TO DYSHORMONOGENESIS, 2B; Pendred Syndrome (PDS); THYROID DYSHORMONOGENESIS 2B; THYROID HORMONOGENESIS, GENETIC DEFECT IN, 2B. Identifiers: Orphanet 705, MedGen C0271829, MONDO:0010134, OMIM 274600.

gnomAD v4.1: 2 of 1,586,988 alleles (0.00013%); highest among the groups gnomAD compares: Non-Finnish European, 0.00017%; no homozygotes.

Submission:

Department of Pediatrics, Division of Medical Genetics, Faculty of Medicine Ramathibodi Hospital, Mahidol University
Classification: Likely pathogenic for Pendred syndrome. Last evaluated: 2025-03-12. Review status: no assertion criteria provided. Collection method: research. Allele origin: germline. Inheritance: Autosomal recessive inheritance. Affected: yes. Observed: 1 compound heterozygote.
Comment: In silico analysis indicates that this missense variant does not alter protein structure/function; Classified as likely pathogenic by the ClinGen Hearing Loss Expert Panel. This variant is not present in population databases (gnomAD no frequency). For these reasons, this variant has been classified as Likely-pathogenic.

NM_000441.2(SLC26A4):c.1708G>T (p.Val570Phe)

Gene: SLC26A4 (solute carrier family 26 member 4; plus strand). Cytogenetic location: 7q22.3.
Variant type: single nucleotide variant.
Coding change: c.1708G>T on transcript NM_000441.2 (MANE Select); coding-DNA position 1708, G replaced by T.
Protein change: p.Val570Phe; replaces valine 570 with phenylalanine.
Molecular consequence: missense variant.
Genome position (GRCh38, 1-based): chr7:107,701,101, G>T. VCF-style: chr7-107701101-G-T. GRCh37 (hg19) VCF-style: chr7-107341546-G-T.
Other names: short protein forms V570F.
Identifiers: ClinVar variation 3774351 (VCV003774351.1).